The following is an entry in ClinVar:

NM_002700.3(POU4F3):c.214C>G (p.His72Asp)

Genes: POU4F3 (POU class 4 homeobox 3; plus strand), RBM27-POU4F3 (RBM27-POU4F3 readthrough; plus strand). Cytogenetic location: 5q32.
Variant type: single nucleotide variant.
Coding change: c.214C>G on transcript NM_002700.3 (MANE Select); coding-DNA position 214, C replaced by G.
Protein change: p.His72Asp; replaces histidine 72 with aspartic acid.
Molecular consequence: missense variant.
Genome position (GRCh38, 1-based): chr5:146,339,641, C>G. VCF-style: chr5-146339641-C-G. GRCh37 (hg19) VCF-style: chr5-145719204-C-G.
Other names: short protein forms H72D.
Identifiers: ClinVar variation 546983 (VCV000546983.62), dbSNP rs370712489, ClinGen allele CA3491070.

ClinVar aggregate classification (germline): Conflicting classifications of pathogenicity. Review status: criteria provided, conflicting classifications (1 of 4 stars). 7 submissions from 7 submitters: Uncertain significance (6); Likely benign (1). Last evaluated 2025-09-22.

Conditions:
Hearing impairment. Also called: Impaired Hearing. Identifiers: MedGen C1384666, MONDO:0005365, HP:0000365.
POU4F3-related disorder. Also called: POU4F3-related condition.
Inborn genetic diseases. Identifiers: MedGen C0950123, MeSH D030342.
Autosomal dominant nonsyndromic hearing loss 15 (DFNA15). Also called: DEAFNESS, AUTOSOMAL DOMINANT 52; Autosomal dominant nonsyndromic hearing loss 52. Identifiers: Orphanet 90635, MedGen C1865366, MONDO:0011226, OMIM 602459.

Allele frequency attached by ClinVar (database versions not stated): TOPMed 0.00011; ESP Exome Variant Server 0.00015; gnomAD exomes 0.00003; gnomAD 0.00009.

Submissions (7):

PreventionGenetics, part of Exact Sciences
Classification: Uncertain significance for POU4F3-related condition. Last evaluated: 2025-09-22. Review status: criteria provided, single submitter. Criteria: ACMG Guidelines, 2015. Collection method: clinical testing. Allele origin: germline.
Comment: The POU4F3 c.214C>G variant is predicted to result in the amino acid substitution p.His72Asp. To our knowledge, this variant has not been reported in the literature. This variant is reported in 0.0070% of alleles in individuals of European (Non-Finnish) descent in gnomAD. At this time, the clinical significance of this variant is uncertain due to the absence of conclusive functional and genetic evidence.

Ambry Genetics
Classification: Uncertain significance for Inborn genetic diseases. Last evaluated: 2025-08-07. Review status: criteria provided, single submitter. Criteria: Ambry Variant Classification Scheme 2023. Collection method: clinical testing. Allele origin: germline.

Labcorp Genetics (formerly Invitae), Labcorp
Classification: Uncertain significance. Last evaluated: 2025-05-05. Review status: criteria provided, single submitter. Criteria: Invitae Variant Classification Sherloc (09022015). Collection method: clinical testing. Allele origin: germline.
Comment: This sequence change replaces histidine, which is basic and polar, with aspartic acid, which is acidic and polar, at codon 72 of the POU4F3 protein (p.His72Asp). This variant is present in population databases (rs370712489, gnomAD 0.007%). This variant has not been reported in the literature in individuals affected with POU4F3-related conditions. ClinVar contains an entry for this variant (Variation ID: 546983). Invitae Evidence Modeling of protein sequence and biophysical properties (such as structural, functional, and spatial information, amino acid conservation, physicochemical variation, residue mobility, and thermodynamic stability) indicates that this missense variant is not expected to disrupt POU4F3 protein function with a negative predictive value of 80%. In summary, the available evidence is currently insufficient to determine the role of this variant in disease. Therefore, it has been classified as a Variant of Uncertain Significance.

GeneDx
Classification: Uncertain significance. Last evaluated: 2024-10-07. Review status: criteria provided, single submitter. Criteria: GeneDx Variant Classification Process June 2021. Collection method: clinical testing. Allele origin: germline. Affected: yes.
Comment: In silico analysis supports that this missense variant has a deleterious effect on protein structure/function; Has not been previously published as pathogenic or benign to our knowledge

CeGaT Center for Human Genetics Tuebingen
Classification: Uncertain significance. Last evaluated: 2023-01-01. Review status: criteria provided, single submitter. Criteria: CeGaT Center For Human Genetics Tuebingen Variant Classification Criteria Version 2. Collection method: clinical testing. Allele origin: germline. Affected: yes. Observed: 2 variant alleles.

Department of Otolaryngology – Head & Neck Surgery, Cochlear Implant Center
Classification: Likely benign for Hearing impairment. Last evaluated: 2021-04-12. Review status: criteria provided, single submitter. Criteria: ClinGen HL ACMG Specifications v1. Collection method: clinical testing. Allele origin: germline. Affected: yes.
Comment: BS2_Strong, BP4_Supporting

Illumina Laboratory Services, Illumina
Classification: Uncertain significance for Autosomal dominant nonsyndromic hearing loss 15. Last evaluated: 2018-01-13. Review status: criteria provided, single submitter. Criteria: ICSL Variant Classification Criteria 13 December 2019. Collection method: clinical testing. Allele origin: germline.